The following is an entry in ClinVar:

ClinVar aggregate classification (germline): Uncertain significance. Review status: criteria provided, multiple submitters, no conflicts (2 of 4 stars). 2 submissions from 2 submitters: Uncertain significance (2). Last evaluated 2021-10-20.

Conditions:
Hereditary cancer-predisposing syndrome. Also called: Neoplastic Syndromes, Hereditary; Hereditary Cancer Syndrome; Tumor predisposition; Hereditary neoplastic syndrome. Identifiers: Orphanet 140162, MedGen C0027672, MeSH D009386, MONDO:0015356.
Familial cancer of breast. Also called: Hereditary breast cancer; BREAST CANCER, FAMILIAL; hereditary breast carcinoma. Identifiers: Orphanet 227535, MedGen C0346153, MONDO:0016419, OMIM 114480. Disease mechanism: loss of function.

Submissions (2):

Ambry Genetics
Classification: Uncertain significance for Hereditary cancer-predisposing syndrome. Last evaluated: 2021-10-20. Review status: criteria provided, single submitter. Criteria: Ambry Variant Classification Scheme 2023. Collection method: clinical testing. Allele origin: germline.
Comment: The p.N280S variant (also known as c.839A>G), located in coding exon 4 of the PALB2 gene, results from an A to G substitution at nucleotide position 839. The asparagine at codon 280 is replaced by serine, an amino acid with highly similar properties. This amino acid position is not well conserved in available vertebrate species. In addition, this alteration is predicted to be tolerated by in silico analysis. Since supporting evidence is limited at this time, the clinical significance of this alteration remains unclear.

Labcorp Genetics (formerly Invitae), Labcorp
Classification: Uncertain significance for Familial cancer of breast. Last evaluated: 2021-03-06. Review status: criteria provided, single submitter. Criteria: Invitae Variant Classification Sherloc (09022015). Collection method: clinical testing. Allele origin: germline.
Comment: This sequence change replaces asparagine with serine at codon 280 of the PALB2 protein (p.Asn280Ser). The asparagine residue is weakly conserved and there is a small physicochemical difference between asparagine and serine. This variant is not present in population databases (ExAC no frequency). This variant has not been reported in the literature in individuals with PALB2-related conditions. Algorithms developed to predict the effect of missense changes on protein structure and function output the following: SIFT: "Tolerated"; PolyPhen-2: "Benign"; Align-GVGD: "Class C0". The serine amino acid residue is found in multiple mammalian species, suggesting that this missense change does not adversely affect protein function. These predictions have not been confirmed by published functional studies and their clinical significance is uncertain. Algorithms developed to predict the effect of sequence changes on RNA splicing suggest that this variant may create or strengthen a splice site, but this prediction has not been confirmed by published transcriptional studies. In summary, the available evidence is currently insufficient to determine the role of this variant in disease. Therefore, it has been classified as a Variant of Uncertain Significance.

NM_024675.4(PALB2):c.839A>G (p.Asn280Ser)

Gene: PALB2 (partner and localizer of BRCA2; minus strand). Cytogenetic location: 16p12.2.
Variant type: single nucleotide variant.
Coding change: c.839A>G on transcript NM_024675.4 (MANE Select); coding-DNA position 839, A replaced by G.
Protein change: p.Asn280Ser; replaces asparagine 280 with serine.
Molecular consequence: missense variant.
Genome position (GRCh38, 1-based): chr16:23,635,707, T>C on the plus strand (A>G on the coding strand, the complement: PALB2 is on the minus strand). VCF-style: chr16-23635707-T-C. GRCh37 (hg19) VCF-style: chr16-23647028-T-C.
Other names: short protein forms N280S.
Identifiers: ClinVar variation 1376823 (VCV001376823.11), dbSNP rs1597098100, ClinGen allele CA395135910.
Genomic context (GRCh38, chr16:23,635,707, plus strand): 5'-GTAGAGACAGTCATTTTTTTGCCTTGTGCCTCCAAACTTACAGGTGAAGTAAATCTAATG[T>C]TTTTTAGGTCGTGAGTAGTAAGTTCACTGCTACCTTTAGGAGGAATGTGTTCAAGGTGCT-3'
Protein context (NP_078951.2, residues 270-290): SSELTTHDLK[Asn280Ser]IRFTSPVSLE